The following is an entry in ClinVar:

NM_021978.4(ST14):c.2224G>C (p.Gly742Arg)

Gene: ST14 (ST14 transmembrane serine protease matriptase; plus strand). Cytogenetic location: 11q24.3.
Variant type: single nucleotide variant.
Coding change: c.2224G>C on transcript NM_021978.4 (MANE Select); coding-DNA position 2224, G replaced by C.
Protein change: p.Gly742Arg; replaces glycine 742 with arginine.
Molecular consequence: missense variant.
Genome position (GRCh38, 1-based): chr11:130,208,639, G>C. VCF-style: chr11-130208639-G-C. GRCh37 (hg19) VCF-style: chr11-130078534-G-C.
Other names: short protein forms G742R.
Identifiers: ClinVar variation 1307931 (VCV001307931.2), dbSNP rs1332165467, ClinGen allele CA383323339.

ClinVar aggregate classification (germline): Uncertain significance (1 of 4 stars; one submission).

gnomAD v4.1: 1 of 1,613,956 alleles (0.000062%); highest among the groups gnomAD compares: African/African-American, 0.0013%; no homozygotes.

Submission:

GeneDx
Classification: Uncertain significance. Last evaluated: 2019-08-09. Review status: criteria provided, single submitter. Criteria: GeneDx Variant Classification Process June 2021. Collection method: clinical testing. Allele origin: germline. Affected: yes.
Comment: Has not been previously published as pathogenic or benign to our knowledge; Not observed in large population cohorts (Lek et al., 2016); In silico analysis, which includes protein predictors and evolutionary conservation, supports a deleterious effect